The following is an entry in ClinVar:

NM_000138.5(FBN1):c.112A>G (p.Arg38Gly)

Gene: FBN1 (fibrillin 1; minus strand). Cytogenetic location: 15q21.1.
Variant type: single nucleotide variant.
Coding change: c.112A>G on transcript NM_000138.5 (MANE Select); coding-DNA position 112, A replaced by G.
Protein change: p.Arg38Gly; replaces arginine 38 with glycine.
Molecular consequence: missense variant.
Genome position (GRCh38, 1-based): chr15:48,644,658, T>C on the plus strand (A>G on the coding strand, the complement: FBN1 is on the minus strand). VCF-style: chr15-48644658-T-C. GRCh37 (hg19) VCF-style: chr15-48936855-T-C.
Other names: c.112A>G, p.Arg38Gly (NM_001406716.1, NM_001406717.1, NM_001406718.1); short protein forms R38G.
Identifiers: ClinVar variation 2567913 (VCV002567913.6), dbSNP rs1355716557, ClinGen allele CA392453623.

ClinVar aggregate classification (germline): Uncertain significance. Review status: criteria provided, multiple submitters, no conflicts (2 of 4 stars). 3 submissions from 3 submitters: Uncertain significance (3). Last evaluated 2023-07-29.

Conditions:
Familial thoracic aortic aneurysm and aortic dissection (TAAD). Also called: Thoracic aortic aneurysms and dissections. Identifiers: Orphanet 91387, MedGen C4707243, MONDO:0019625.
Marfan syndrome (MFS). Also called: MARFAN SYNDROME, TYPE I; FBN1-Related Marfan Syndrome; Marfan syndrome type 1; Marfan's syndrome; Marfan syndrome, classic. Identifiers: Orphanet 284963, Orphanet 558, MedGen C0024796, MONDO:0007947, OMIM 154700.

Submissions (3):

Labcorp Genetics (formerly Invitae), Labcorp
Classification: Uncertain significance for Marfan syndrome; Familial thoracic aortic aneurysm and aortic dissection. Last evaluated: 2023-07-29. Review status: criteria provided, single submitter. Criteria: Invitae Variant Classification Sherloc (09022015). Collection method: clinical testing. Allele origin: germline.
Comment: In summary, the available evidence is currently insufficient to determine the role of this variant in disease. Therefore, it has been classified as a Variant of Uncertain Significance. Advanced modeling of protein sequence and biophysical properties (such as structural, functional, and spatial information, amino acid conservation, physicochemical variation, residue mobility, and thermodynamic stability) performed at Invitae indicates that this missense variant is not expected to disrupt FBN1 protein function. ClinVar contains an entry for this variant (Variation ID: 2567913). This variant has not been reported in the literature in individuals affected with FBN1-related conditions. This variant is not present in population databases (gnomAD no frequency). This sequence change replaces arginine, which is basic and polar, with glycine, which is neutral and non-polar, at codon 38 of the FBN1 protein (p.Arg38Gly).

All of Us Research Program, National Institutes of Health
Classification: Uncertain significance for Marfan syndrome. Last evaluated: 2023-07-10. Review status: criteria provided, single submitter. Criteria: ACMG Guidelines, 2015. Collection method: clinical testing. Allele origin: germline. Inheritance: Autosomal dominant inheritance. Observed: 1 variant allele, 1 heterozygote.
Comment: This missense variant replaces arginine with glycine at codon 38 of the FBN1 protein. Computational prediction suggests that this variant may not impact protein structure and function (internally defined REVEL score threshold <= 0.5, PMID: 27666373). To our knowledge, functional studies have not been reported for this variant. This variant has not been reported in individuals affected with FBN1-related disorders in the literature. This variant has not been identified in the general population by the Genome Aggregation Database (gnomAD). The available evidence is insufficient to determine the role of this variant in disease conclusively. Therefore, this variant is classified as a Variant of Uncertain Significance.

This study involves interpretation of variants in research participants for the purpose of population health screening. Participant phenotype was not available at the time of variant classification. Additional details can be found in publication PMID: 35346344, PMCID: PMC8962531

Ambry Genetics
Classification: Uncertain significance for Familial thoracic aortic aneurysm and aortic dissection. Last evaluated: 2023-04-19. Review status: criteria provided, single submitter. Criteria: Ambry Variant Classification Scheme 2023. Collection method: clinical testing. Allele origin: germline.
Comment: The p.R38G variant (also known as c.112A>G), located in coding exon 1 of the FBN1 gene, results from an A to G substitution at nucleotide position 112. The arginine at codon 38 is replaced by glycine, an amino acid with dissimilar properties. This amino acid position is highly conserved in available vertebrate species. In addition, the in silico prediction for this alteration is inconclusive. Since supporting evidence is limited at this time, the clinical significance of this alteration remains unclear.